The following is an entry in ClinVar:

NM_000051.4(ATM):c.7397C>A (p.Ala2466Glu)

Genes: ATM (ATM serine/threonine kinase; plus strand), C11orf65 (chromosome 11 open reading frame 65; minus strand). Cytogenetic location: 11q22.3.
Variant type: single nucleotide variant.
Coding change: c.7397C>A on transcript NM_000051.4 (MANE Select); coding-DNA position 7397, C replaced by A.
Protein change: p.Ala2466Glu; replaces alanine 2466 with glutamic acid.
Molecular consequence: missense variant. On other transcripts: intron variant (2).
Genome position (GRCh38, 1-based): chr11:108,330,303, C>A. VCF-style: chr11-108330303-C-A. GRCh37 (hg19) VCF-style: chr11-108201030-C-A.
Other names: c.7397C>A, p.Ala2466Glu (NM_001351834.2); c.641-21232G>T (NM_001330368.2); c.*38+4917G>T (NM_001351110.2); short protein forms A2466E.
Identifiers: ClinVar variation 854458 (VCV000854458.23), dbSNP rs1324075885, ClinGen allele CA382560090.

ClinVar aggregate classification (germline): Conflicting classifications of pathogenicity. Review status: criteria provided, conflicting classifications (1 of 4 stars). 7 submissions from 6 submitters: Likely pathogenic (4); Uncertain significance (2). 1 of the submissions does not count toward it. Last evaluated 2025-11-10.

Conditions:
Familial cancer of breast. Also called: Hereditary breast cancer; BREAST CANCER, FAMILIAL; hereditary breast carcinoma. Identifiers: Orphanet 227535, MedGen C0346153, MONDO:0016419, OMIM 114480. Disease mechanism: loss of function.
Hereditary cancer-predisposing syndrome. Also called: Tumor predisposition; Neoplastic Syndromes, Hereditary; Hereditary Cancer Syndrome; Hereditary neoplastic syndrome. Identifiers: Orphanet 140162, MedGen C0027672, MeSH D009386, MONDO:0015356.
Ataxia-telangiectasia syndrome (AT). Also called: ATAXIA-TELANGIECTASIA, COMPLEMENTATION GROUP A; ATAXIA-TELANGIECTASIA, FRESNO VARIANT; Ataxia-telangiectasia; Ataxia-telangiectasia, complementation group D; AT, COMPLEMENTATION GROUP C; Ataxia-telangiectasia, complementation group E. Identifiers: Orphanet 100, MedGen C0004135, MONDO:0008840, OMIM 208900.

Allele frequency attached by ClinVar (database versions not stated): gnomAD exomes 0.00001.
gnomAD v4.1: 3 of 1,614,170 alleles (0.00019%); highest among the groups gnomAD compares: South Asian, 0.0033%; no homozygotes.

Submissions (7):

Ambry Genetics
Classification: Likely pathogenic for Hereditary cancer-predisposing syndrome. Last evaluated: 2025-11-10. Review status: criteria provided, single submitter. Criteria: Ambry Variant Classification Scheme 2023. Collection method: clinical testing. Allele origin: germline.
Comment: The p.A2466E variant (also known as c.7397C>A), located in coding exon 49 of the ATM gene, results from a C to A substitution at nucleotide position 7397. The alanine at codon 2466 is replaced by glutamic acid, an amino acid with dissimilar properties. This variant has been identified in the homozygous state and/or in conjunction with other ATM variant(s) in individual(s) with features consistent with ataxia-telangiectasia (Jackson TJ et al. Dev Med Child Neurol, 2016 Jul;58:690-7; Shakya S et al. Clin Genet, 2019 Dec;96:566-574; Chakravorty S et al. Sci Rep, 2020 Sep;10:16184; Hettiarachchi D et al. Case Rep Genet, 2020 Dec;2020:6630300). This amino acid position is highly conserved in available vertebrate species. In addition, this alteration is predicted to be deleterious by in silico analysis. Based on the majority of available evidence to date, this variant is likely to be pathogenic.

Labcorp Genetics (formerly Invitae), Labcorp
Classification: Uncertain significance for Ataxia-telangiectasia syndrome. Last evaluated: 2024-07-06. Review status: criteria provided, single submitter. Criteria: Invitae Variant Classification Sherloc (09022015). Collection method: clinical testing. Allele origin: germline.
Comment: This sequence change replaces alanine, which is neutral and non-polar, with glutamic acid, which is acidic and polar, at codon 2466 of the ATM protein (p.Ala2466Glu). This variant is present in population databases (no rsID available, gnomAD 0.006%). This missense change has been observed in individual(s) with ataxia-telangiectasia (PMID: 26896183, 31429931, 33376610; Invitae). In at least one individual the data is consistent with being in trans (on the opposite chromosome) from a pathogenic variant. ClinVar contains an entry for this variant (Variation ID: 854458). An algorithm developed to predict the effect of missense changes on protein structure and function (PolyPhen-2) suggests that this variant is likely to be disruptive. In summary, the available evidence is currently insufficient to determine the role of this variant in disease. Therefore, it has been classified as a Variant of Uncertain Significance.

Myriad Genetics, Inc.
Classification: Likely pathogenic for Familial cancer of breast. Last evaluated: 2024-01-31. Review status: criteria provided, single submitter. Criteria: Myriad Autosomal Dominant, Autosomal Recessive and X-Linked Classification Criteria (2023). Collection method: clinical testing. Allele origin: unknown.
Comment: This variant is considered likely pathogenic. This variant has been reported in multiple individuals with clinical features of gene-specific disease [PMID: 26896183, 33376610, 32999401, 31429931]. This variant is expected to disrupt protein structure [Myriad internal data].

Baylor Genetics
Classification: Likely pathogenic for Familial cancer of breast. Last evaluated: 2023-11-18. Review status: criteria provided, single submitter. Criteria: ACMG Guidelines, 2015. Collection method: clinical testing. Allele origin: unknown.

Neuberg Centre For Genomic Medicine, NCGM
Classification: Uncertain significance for Ataxia-telangiectasia syndrome. Review status: criteria provided, single submitter. Criteria: ACMG Guidelines, 2015. Collection method: clinical testing. Allele origin: germline. Inheritance: Autosomal recessive inheritance. Affected: yes.
Comment: The missense variant in c.7397C>A(p.Ala2466Glu) in ATM gene has not been reported previously as a pathogenic variant nor as a benign variant, to our knowledge. The p.Ala2466Glu variant is novel (not in any individuals) in 1000 Genomes and has allele frequency of 0.0008% in gnomAD database. This variant has been reported to the ClinVar database as Variant of Uncertain Significance (VUS). The amino acid change p.Ala2466Glu in ATM is predicted as conserved by GERP++ and PhyloP across 100 vertebrates. The amino acid Ala at position 2466 is changed to a Glu changing protein sequence and it might alter its composition and physico-chemical properties. For these reasons, this variant has been classified as Uncertain Significance (VUS).

Neuberg Centre For Genomic Medicine, NCGM
Classification: Likely pathogenic for Familial cancer of breast. Review status: criteria provided, single submitter. Criteria: ACMG Guidelines, 2015. Collection method: clinical testing. Allele origin: germline. Inheritance: Autosomal dominant inheritance. Affected: yes.

Natera, Inc.
Classification: Uncertain significance for Ataxia-telangiectasia. Last evaluated: 2021-02-08. Review status: no assertion criteria provided. Collection method: clinical testing. Allele origin: germline. Not counted in ClinVar's aggregate classification.

Literature cited by the submitters: PubMed 26896183 (cited by 3 submitters); PubMed 31429931 (cited by 3 submitters); PubMed 32999401 (cited by Ambry Genetics and Myriad Genetics, Inc.); PubMed 33376610 (cited by 3 submitters).